The following is an entry in ClinVar:

NM_002968.3(SALL1):c.2803A>T (p.Thr935Ser)

Gene: SALL1 (spalt like transcription factor 1; minus strand). Cytogenetic location: 16q12.1.
Variant type: single nucleotide variant.
Coding change: c.2803A>T on transcript NM_002968.3 (MANE Select); coding-DNA position 2803, A replaced by T.
Protein change: p.Thr935Ser; replaces threonine 935 with serine.
Molecular consequence: missense variant.
Genome position (GRCh38, 1-based): chr16:51,139,419, T>A on the plus strand (A>T on the coding strand, the complement: SALL1 is on the minus strand). VCF-style: chr16-51139419-T-A. GRCh37 (hg19) VCF-style: chr16-51173330-T-A.
Other names: c.2512A>T, p.Thr838Ser (NM_001127892.2); short protein forms T838S, T935S.
Identifiers: ClinVar variation 3025861 (VCV003025861.23), dbSNP rs779974242, ClinGen allele CA8053039.
Genomic context (GRCh38, chr16:51,139,419, plus strand): 5'-CGCTTGGGACCGCTCTCTGTGGTTTCTCCTCAATGCTGGGTGACTTGTGGAACTCCTGCG[T>A]GCTGTTGGACGGGGACAGAGCCTGCATGGAAGAGGTAGACTCTGAGATGGCTGGGCTGCC-3'
Protein context (NP_002959.2, residues 925-945): SMQALSPSNS[Thr935Ser]QEFHKSPSIE

ClinVar aggregate classification (germline): Conflicting classifications of pathogenicity. Review status: criteria provided, conflicting classifications (1 of 4 stars). 2 submissions from 2 submitters: Uncertain significance (1); Likely benign (1). Last evaluated 2026-01-25.

Conditions:
Townes syndrome (TBS). Also called: Townes-Brocks syndrome. Identifiers: Orphanet 857, MedGen C0265246, MeSH C536974, MONDO:0007142.

Allele frequency attached by ClinVar (database versions not stated): TOPMed 0.00001; ExAC 0.00002; gnomAD 0.00003.
gnomAD v4.1: 19 of 1,614,010 alleles (0.0012%); highest among the groups gnomAD compares: Non-Finnish European, 0.0016%; no homozygotes.

Submissions (2):

Labcorp Genetics (formerly Invitae), Labcorp
Classification: Uncertain significance for Townes syndrome. Last evaluated: 2026-01-25. Review status: criteria provided, single submitter. Criteria: Invitae Variant Classification Sherloc (09022015). Collection method: clinical testing. Allele origin: germline.
Comment: This sequence change replaces threonine, which is neutral and polar, with serine, which is neutral and polar, at codon 935 of the SALL1 protein (p.Thr935Ser). The frequency data for this variant in the population databases is considered unreliable, as metrics indicate poor data quality at this position in the gnomAD database. This variant has not been reported in the literature in individuals affected with SALL1-related conditions. ClinVar contains an entry for this variant (Variation ID: 3025861). Invitae Evidence Modeling of protein sequence and biophysical properties (such as structural, functional, and spatial information, amino acid conservation, physicochemical variation, residue mobility, and thermodynamic stability) indicates that this missense variant is not expected to disrupt SALL1 protein function with a negative predictive value of 80%. In summary, the available evidence is currently insufficient to determine the role of this variant in disease. Therefore, it has been classified as a Variant of Uncertain Significance.

CeGaT Center for Human Genetics Tuebingen
Classification: Likely benign. Last evaluated: 2025-05-01. Review status: criteria provided, single submitter. Criteria: CeGaT Center For Human Genetics Tuebingen Variant Classification Criteria Version 2. Collection method: clinical testing. Allele origin: germline. Affected: yes. Observed: 3 variant alleles.
Comment: SALL1: BP4